The following is an entry in ClinVar:

ClinVar aggregate classification (germline): Uncertain significance. Review status: criteria provided, multiple submitters, no conflicts (2 of 4 stars). 2 submissions from 2 submitters: Uncertain significance (2). Last evaluated 2024-03-29.

Conditions:
Inborn genetic diseases. Identifiers: MedGen C0950123, MeSH D030342.

Allele frequency attached by ClinVar (database versions not stated): TOPMed 0.00005; ExAC 0.00015.
gnomAD v4.1: 33 of 1,613,870 alleles (0.002%); highest among the groups gnomAD compares: Admixed American, 0.055%; no homozygotes.

Submissions (2):

Ambry Genetics
Classification: Uncertain significance for Inborn genetic diseases. Last evaluated: 2024-03-29. Review status: criteria provided, single submitter. Criteria: Ambry Variant Classification Scheme 2023. Collection method: clinical testing. Allele origin: germline.

Labcorp Genetics (formerly Invitae), Labcorp
Classification: Uncertain significance. Last evaluated: 2022-02-08. Review status: criteria provided, single submitter. Criteria: Invitae Variant Classification Sherloc (09022015). Collection method: clinical testing. Allele origin: germline.
Comment: This sequence change replaces threonine, which is neutral and polar, with proline, which is neutral and non-polar, at codon 430 of the CEP63 protein (p.Thr430Pro). This variant is present in population databases (rs771145113, gnomAD 0.09%). This variant has not been reported in the literature in individuals affected with CEP63-related conditions. Algorithms developed to predict the effect of missense changes on protein structure and function are either unavailable or do not agree on the potential impact of this missense change (SIFT: "Deleterious"; PolyPhen-2: "Probably Damaging"; Align-GVGD: "Class C0"). In summary, the available evidence is currently insufficient to determine the role of this variant in disease. Therefore, it has been classified as a Variant of Uncertain Significance.

NM_001353108.3(CEP63):c.1288A>C (p.Thr430Pro)

Gene: CEP63 (centrosomal protein 63; plus strand). Cytogenetic location: 3q22.2.
Variant type: single nucleotide variant.
Coding change: c.1288A>C on transcript NM_001353108.3 (MANE Select); coding-DNA position 1288, A replaced by C.
Protein change: p.Thr430Pro; replaces threonine 430 with proline.
Molecular consequence: missense variant. On other transcripts: non-coding transcript variant (4).
Genome position (GRCh38, 1-based): chr3:134,550,168, A>C. VCF-style: chr3-134550168-A-C. GRCh37 (hg19) VCF-style: chr3-134269010-A-C.
Other names: c.1150A>C, p.Thr384Pro (NM_001042383.2, NM_001042384.2, NM_001353109.1 and 6 more transcripts); c.1288A>C, p.Thr430Pro (NM_001042400.3, NM_001353110.1, NM_001353111.2 and 4 more transcripts); c.1177A>C, p.Thr393Pro (NM_001353118.1); c.1066A>C, p.Thr356Pro (NM_001353125.2); c.787A>C, p.Thr263Pro (NM_001353126.2); c.1288A>C (NM_025180.3); short protein forms T263P, T356P, T384P, T393P, T430P.
Identifiers: ClinVar variation 2419303 (VCV002419303.3), dbSNP rs771145113, ClinGen allele CA2628634.